The following is an entry in ClinVar:

NM_001173464.2(KIF21A):c.1469+10A>G

Gene: KIF21A (kinesin family member 21A; minus strand). Cytogenetic location: 12q12.
Variant type: single nucleotide variant.
Coding change: c.1469+10A>G on transcript NM_001173464.2 (MANE Select); 10 bases into the intron after coding-DNA position 1469, A replaced by G.
Molecular consequence: intron variant.
Genome position (GRCh38, 1-based): chr12:39,356,822, T>C on the plus strand (A>G on the coding strand, the complement: KIF21A is on the minus strand). VCF-style: chr12-39356822-T-C. GRCh37 (hg19) VCF-style: chr12-39750624-T-C.
Other names: c.1469+10A>G (NM_001173465.2, NM_001173463.2, NM_017641.4).
Identifiers: ClinVar variation 308581 (VCV000308581.10), dbSNP rs73266501, ClinGen allele CA6511018.

ClinVar aggregate classification (germline): Benign. Review status: criteria provided, multiple submitters, no conflicts (2 of 4 stars). 3 submissions from 3 submitters: Benign (3). Last evaluated 2019-12-31.

Conditions:
Congenital fibrosis of extraocular muscles type 1. Also called: CFEOM3B; BLEPHAROPTOSIS WITH ABSENT EYE MOVEMENTS; OPHTHALMOPLEGIA, CONGENITAL; FEOM1 LOCUS. Identifiers: MedGen C1851102, MONDO:0021083, OMIM 135700.

Allele frequency attached by ClinVar (database versions not stated): gnomAD exomes 0.00152; gnomAD 0.00529 and 0.00562; ESP Exome Variant Server 0.00655; 1000 Genomes Project 0.00739; ExAC 0.00196; TOPMed 0.00677; 1000 Genomes Project 30x 0.00843.
gnomAD v4.1: 1,398 of 1,109,896 alleles (0.13%); highest among the groups gnomAD compares: African/African-American, 1.9%; 13 homozygotes.

Submissions (3):

Labcorp Genetics (formerly Invitae), Labcorp
Classification: Benign. Last evaluated: 2019-12-31. Review status: criteria provided, single submitter. Criteria: Invitae Variant Classification Sherloc (09022015). Collection method: clinical testing. Allele origin: germline.

Illumina Laboratory Services, Illumina
Classification: Benign for Congenital fibrosis of extraocular muscles type 1. Last evaluated: 2018-01-13. Review status: criteria provided, single submitter. Criteria: ICSL Variant Classification Criteria 13 December 2019. Collection method: clinical testing. Allele origin: germline.
Comment: This variant was observed in the ICSL laboratory as part of a predisposition screen in an ostensibly healthy population. It had not been previously curated by ICSL or reported in the Human Gene Mutation Database (HGMD: prior to June 1st, 2018), and was therefore a candidate for classification through an automated scoring system. Utilizing variant allele frequency, disease prevalence and penetrance estimates, and inheritance mode, an automated score was calculated to assess if this variant is too frequent to cause the disease. Based on the score and internal cut-off values, a variant classified as benign is not then subjected to further curation. The score for this variant resulted in a classification of benign for this disease.

Breakthrough Genomics
Classification: Benign. Review status: criteria provided, single submitter. Criteria: ACMG Guidelines, 2015. Collection method: not provided. Allele origin: germline. Inheritance: Autosomal dominant inheritance. Affected: yes.